The following is an entry in ClinVar:

NM_001101.5(ACTB):c.250A>G (p.Lys84Glu)

Gene: ACTB (actin beta; minus strand). Cytogenetic location: 7p22.1.
Variant type: single nucleotide variant.
Coding change: c.250A>G on transcript NM_001101.5 (MANE Select); coding-DNA position 250, A replaced by G.
Protein change: p.Lys84Glu; replaces lysine 84 with glutamic acid.
Molecular consequence: missense variant.
Genome position (GRCh38, 1-based): chr7:5,529,274, T>C on the plus strand (A>G on the coding strand, the complement: ACTB is on the minus strand). VCF-style: chr7-5529274-T-C. GRCh37 (hg19) VCF-style: chr7-5568905-T-C.
Other names: short protein forms K84E.
Identifiers: ClinVar variation 3377145 (VCV003377145.2).
Genomic context (GRCh38, chr7:5,529,274, plus strand): 5'-GCACGGGGTGCTCCTCGGGAGCCACACGCAGCTCATTGTAGAAGGTGTGGTGCCAGATTT[T>C]CTCCATGTCGTCCCAGTTGGTGACGATGCCGTGCTCGATGGGGTACTTCAGGGTGAGGAT-3'
Protein context (NP_001092.1, residues 74-94): GIVTNWDDME[Lys84Glu]IWHHTFYNEL

ClinVar aggregate classification (germline): Uncertain significance. Review status: criteria provided, multiple submitters, no conflicts (2 of 4 stars). 2 submissions from 2 submitters: Uncertain significance (2). Last evaluated 2024-10-09.

Conditions:
Baraitser-Winter syndrome 1 (BRWS1). Also called: Cerebrofrontofacial syndrome; BARAITSER-WINTER SYNDROME 1, ATYPICAL; PACHYGYRIA, MENTAL RETARDATION, EPILEPSY, AND CHARACTERISTIC FACIES; MENTAL RETARDATION WITH EPILEPSY AND CHARACTERISTIC FACIES. Identifiers: Orphanet 2649, Orphanet 2995, MedGen C1855722, MONDO:0009470, OMIM 243310.

Submissions (2):

Victorian Clinical Genetics Services, Murdoch Childrens Research Institute
Classification: Uncertain significance for Baraitser-Winter syndrome 1. Last evaluated: 2024-10-09. Review status: criteria provided, single submitter. Criteria: ACMG Guidelines, 2015. Collection method: clinical testing. Allele origin: germline. Inheritance: Autosomal recessive inheritance. Affected: yes.
Comment: Based on the classification scheme VCGS_Germline_v1.3.4, this variant is classified as VUS-3B. Following criteria are met: 0102 - Loss of function is a known mechanism of disease in this gene and is associated with thrombocytopenia 8, with dysmorphic features and developmental delay (MIM#620475). However, gain of function, dominant negative and loss of function are suggested mechanisms for variants associated with Baraitser-Winter syndrome 1 (MIM#243310; PMID: 29220674). The mechanism of dystonia-deafness syndrome 1 (MIM#607371), caused by the recurring p.(Arg183Trp) variant, is unclear but gain of function has been suggested (PMID: 25255767). (I) 0107 - This gene is associated with autosomal dominant disease. (I) 0115 - Variants in this gene are known to have variable expressivity. High clinical variability has been observed between individuals with Baraitser-Winter syndrome who harbour the same variant (PMID: 26583190, PMID: 30315159). (I) 0200 - Variant is predicted to result in a missense amino acid change from lysine to glutamic acid. (I) 0251 - This variant is heterozygous. (I) 0301 - Variant is absent from gnomAD (both v2 and v3). (SP) 0501 - Missense variant consistently predicted to be damaging by multiple in silico tools or highly conserved with a major amino acid change. (SP) 0603 - Missense variant in a region that is highly intolerant to missense variation (high constraint region in DECIPHER). (SP) 0705 - No comparable missense variants have previous evidence for pathogenicity. (I) 0807 - This variant has no previous evidence of pathogenicity. (I) 0905 - No published segregation evidence has been identified for this variant. (I) 1007 - No published functional evidence has been identified for this variant. (I) 1208 - Inheritance information for this variant is not currently available in this individual. (I) Legend: (SP) - Supporting pathogenic, (I) - Information, (SB) - Supporting benign

Juno Genomics, Hangzhou Juno Genomics, Inc
Classification: Uncertain significance for Baraitser-Winter syndrome 1. Review status: criteria provided, single submitter. Criteria: ACMG Guidelines, 2015. Collection method: clinical testing. Allele origin: germline. Affected: yes.
Comment: Absent from controls (or at extremely low frequency if recessive) in Genome Aggregation Database, Exome Sequencing Project, 1000 Genomes Project, or Exome Aggregation Consortium.;De novo (both maternity and paternity confirmed) in a patient with the disease and no family history.;Multiple lines of computational evidence support a deleterious effect on the gene or gene product (conservation, evolutionary, splicing impact, etc).;Missense variant in a gene that has a low rate of benign missense variation and where missense variants are a common mechanism of disease.

Literature cited by the submitters: PubMed 25255767 (cited by Victorian Clinical Genetics Services, Murdoch Childrens Research Institute); PubMed 26583190 (cited by Victorian Clinical Genetics Services, Murdoch Childrens Research Institute); PubMed 29220674 (cited by Victorian Clinical Genetics Services, Murdoch Childrens Research Institute); PubMed 30315159 (cited by Victorian Clinical Genetics Services, Murdoch Childrens Research Institute).